The following is an entry in ClinVar:

ClinVar aggregate classification (germline): Uncertain significance (1 of 4 stars; one submission).

Submission:

GeneDx
Classification: Uncertain significance. Last evaluated: 2023-03-17. Review status: criteria provided, single submitter. Criteria: GeneDx Variant Classification Process June 2021. Collection method: clinical testing. Allele origin: germline. Affected: yes.
Comment: Not observed at significant frequency in large population cohorts (gnomAD); In silico analysis supports that this missense variant does not alter protein structure/function; Has not been previously published as pathogenic or benign to our knowledge

NM_001366145.2(TRPM3):c.4261G>C (p.Glu1421Gln)

Genes: TRPM3 (transient receptor potential cation channel subfamily M member 3; minus strand), KLF9-DT (KLF9 divergent transcript; plus strand). Cytogenetic location: 9q21.12.
Variant type: single nucleotide variant.
Coding change: c.4261G>C on transcript NM_001366145.2 (MANE Select); coding-DNA position 4261, G replaced by C.
Protein change: p.Glu1421Gln; replaces glutamic acid 1421 with glutamine.
Molecular consequence: missense variant. On other transcripts: intron variant (8).
Genome position (GRCh38, 1-based): chr9:70,536,852, C>G on the plus strand (G>C on the coding strand, the complement: TRPM3 is on the minus strand). VCF-style: chr9-70536852-C-G. GRCh37 (hg19) VCF-style: chr9-73151768-C-G.
Other names: c.4225G>C, p.Glu1409Gln (NM_001007471.4); c.4231G>C, p.Glu1411Gln (NM_001366141.2, NM_001366149.2); c.4336G>C, p.Glu1446Gln (NM_001366147.2); c.3766G>C, p.Glu1256Gln (NM_020952.6); c.3802G>C, p.Glu1268Gln (NM_024971.7); c.3736G>C, p.Glu1246Gln (NM_206944.5); c.3772G>C, p.Glu1258Gln (NM_206945.5); c.3841G>C, p.Glu1281Gln (NM_206946.5); and 9 more; short protein forms E1246Q, E1256Q, E1258Q, E1268Q, E1271Q, E1281Q, E1409Q, E1411Q.
Identifiers: ClinVar variation 1700844 (VCV001700844.3), dbSNP rs2131583890, ClinGen allele CA373550568.